The following is an entry in ClinVar:

NM_014232.3(VAMP2):c.82A>G (p.Ser28Gly)

Genes: VAMP2 (vesicle associated membrane protein 2; minus strand), LOC130060218 (ATAC-STARR-seq lymphoblastoid silent region 8166; plus strand). Cytogenetic location: 17p13.1.
Variant type: single nucleotide variant.
Coding change: c.82A>G on transcript NM_014232.3 (MANE Select); coding-DNA position 82, A replaced by G.
Protein change: p.Ser28Gly; replaces serine 28 with glycine.
Molecular consequence: missense variant.
Genome position (GRCh38, 1-based): chr17:8,162,290, T>C on the plus strand (A>G on the coding strand, the complement: VAMP2 is on the minus strand). VCF-style: chr17-8162290-T-C. GRCh37 (hg19) VCF-style: chr17-8065608-T-C.
Other names: NC_000017.10:g.8065608T>C; c.88A>G, p.Ser30Gly (NM_001330125.1); short protein forms S28G, S30G.
Identifiers: ClinVar variation 3257649 (VCV003257649.19).

ClinVar aggregate classification (germline): Likely benign. Review status: criteria provided, multiple submitters, no conflicts (2 of 4 stars). 2 submissions from 2 submitters: Likely benign (2). Last evaluated 2024-11-25.

gnomAD v4.1: 887 of 1,579,738 alleles (0.056%); highest among the groups gnomAD compares: Non-Finnish European, 0.057%; no homozygotes.

Submissions (5):

Blueprint Genetics
Classification: Likely benign. Last evaluated: 2024-11-25. Review status: criteria provided, single submitter. Criteria: ACMG Guidelines, 2015. Collection method: clinical testing. Allele origin: germline.

CeGaT Center for Human Genetics Tuebingen
Classification: Likely benign. Last evaluated: 2024-07-01. Review status: criteria provided, single submitter. Criteria: CeGaT Center For Human Genetics Tuebingen Variant Classification Criteria Version 2. Collection method: clinical testing. Allele origin: germline. Affected: yes. Observed: 1 variant allele.
Comment: VAMP2: BS1

Dr. Peter K. Rogan Lab, Western University
No classification provided (evidence only). Condition: Lung cancer. Review status: no classification provided. Collection method: in vitro. Allele origin: not applicable. Functional consequence: retained intron. Not counted in ClinVar's aggregate classification.

Dr. Peter K. Rogan Lab, Western University
No classification provided (evidence only). Condition: Cervical cancer. Review status: no classification provided. Collection method: in vitro. Allele origin: not applicable. Functional consequence: retained intron. Not counted in ClinVar's aggregate classification.

Dr. Peter K. Rogan Lab, Western University
No classification provided (evidence only). Condition: Malignant tumor of esophagus. Review status: no classification provided. Collection method: in vitro. Allele origin: not applicable. Functional consequence: retained intron. Not counted in ClinVar's aggregate classification.